The following is an entry in ClinVar:

ClinVar aggregate classification (germline): Uncertain significance. Review status: criteria provided, multiple submitters, no conflicts (2 of 4 stars). 5 submissions from 5 submitters: Uncertain significance (5). Last evaluated 2026-03-09.

Conditions:
DMXL2-related disorder. Also called: DMXL2-related condition.

Allele frequency attached by ClinVar (database versions not stated): ExAC 0.00010; gnomAD 0.00014; gnomAD exomes 0.00014 and 0.00023; ESP Exome Variant Server 0.00015; TOPMed 0.00017; 1000 Genomes Project 0.00020; 1000 Genomes Project 30x 0.00031.
gnomAD v4.1: 362 of 1,611,764 alleles (0.022%); highest among the groups gnomAD compares: Non-Finnish European, 0.028%; no homozygotes.

Submissions (5):

PreventionGenetics, part of Exact Sciences
Classification: Uncertain significance for DMXL2-related condition. Last evaluated: 2026-03-09. Review status: criteria provided, single submitter. Criteria: ACMG Guidelines, 2015. Collection method: clinical testing. Allele origin: germline.
Comment: The DMXL2 c.5974G>A variant is predicted to result in the amino acid substitution p.Asp1992Asn. This variant has been reported along with a second DMXL2 variant in an individual with developmental delays, hypotonia, and seizures, however this individual also harbored a pathogenic variant in the mitochondrial gene MT-TL (Guo et al. 2024. PubMed ID: 40225944). This variant is reported in 0.026% of alleles in individuals of European (Non-Finnish) descent in gnomAD. At this time, the clinical significance of this variant is uncertain due to the absence of conclusive functional and genetic evidence.

CeGaT Center for Human Genetics Tuebingen
Classification: Uncertain significance. Last evaluated: 2025-03-01. Review status: criteria provided, single submitter. Criteria: CeGaT Center For Human Genetics Tuebingen Variant Classification Criteria Version 2. Collection method: clinical testing. Allele origin: germline. Affected: yes. Observed: 2 variant alleles.
Comment: DMXL2: PM2, BP4

Labcorp Genetics (formerly Invitae), Labcorp
Classification: Uncertain significance. Last evaluated: 2025-01-27. Review status: criteria provided, single submitter. Criteria: Invitae Variant Classification Sherloc (09022015). Collection method: clinical testing. Allele origin: germline.
Comment: This sequence change replaces aspartic acid, which is acidic and polar, with asparagine, which is neutral and polar, at codon 1992 of the DMXL2 protein (p.Asp1992Asn). This variant is present in population databases (rs144241909, gnomAD 0.03%). This variant has not been reported in the literature in individuals affected with DMXL2-related conditions. ClinVar contains an entry for this variant (Variation ID: 1412599). An algorithm developed to predict the effect of missense changes on protein structure and function (PolyPhen-2) suggests that this variant¬†is likely to be tolerated. In summary, the available evidence is currently insufficient to determine the role of this variant in disease. Therefore, it has been classified as a Variant of Uncertain Significance.

GeneDx
Classification: Uncertain significance. Last evaluated: 2022-12-20. Review status: criteria provided, single submitter. Criteria: GeneDx Variant Classification Process June 2021. Collection method: clinical testing. Allele origin: germline. Affected: yes.
Comment: In silico analysis supports that this missense variant does not alter protein structure/function; Observed in the single heterozygous state in a family with pterygium, however, a variant in a different gene was thought to be associated with this phenotype (Maurizi et al., 2018); This variant is associated with the following publications: (PMID: 30365943)

Revvity Omics, Revvity
Classification: Uncertain significance. Last evaluated: 2022-06-24. Review status: criteria provided, single submitter. Criteria: ACMG Guidelines, 2015. Collection method: clinical testing. Allele origin: germline.

NM_001378457.1(DMXL2):c.5974G>A (p.Asp1992Asn)

Gene: DMXL2 (Dmx like 2; minus strand). Cytogenetic location: 15q21.2.
Variant type: single nucleotide variant.
Coding change: c.5974G>A on transcript NM_001378457.1 (MANE Select); coding-DNA position 5974, G replaced by A.
Protein change: p.Asp1992Asn; replaces aspartic acid 1992 with asparagine.
Molecular consequence: missense variant. On other transcripts: non-coding transcript variant (2).
Genome position (GRCh38, 1-based): chr15:51,481,132, C>T on the plus strand (G>A on the coding strand, the complement: DMXL2 is on the minus strand). VCF-style: chr15-51481132-C-T. GRCh37 (hg19) VCF-style: chr15-51773329-C-T.
Other names: c.5974G>A, p.Asp1992Asn (NM_001174116.3, NM_001378458.1, NM_001378459.1 and 4 more transcripts); c.4066G>A, p.Asp1356Asn (NM_001174117.3); c.3955G>A, p.Asp1319Asn (NM_001378460.1); c.5734G>A, p.Asp1912Asn (NM_001378464.1); c.5974G>A (NM_001174116.1, NM_001174116.2); short protein forms D1319N, D1912N, D1356N, D1992N.
Identifiers: ClinVar variation 1412599 (VCV001412599.23), dbSNP rs144241909, ClinGen allele CA7561707.